The following is an entry in ClinVar:

ClinVar aggregate classification (germline): Uncertain significance. Review status: criteria provided, multiple submitters, no conflicts (2 of 4 stars). 2 submissions from 2 submitters: Uncertain significance (2). Last evaluated 2024-10-28.

Conditions:
Hereditary cancer-predisposing syndrome. Also called: Neoplastic Syndromes, Hereditary; Hereditary Cancer Syndrome; Tumor predisposition; Hereditary neoplastic syndrome. Identifiers: Orphanet 140162, MedGen C0027672, MeSH D009386, MONDO:0015356.

Submissions (2):

Ambry Genetics
Classification: Uncertain significance for Hereditary cancer-predisposing syndrome. Last evaluated: 2024-10-28. Review status: criteria provided, single submitter. Criteria: Ambry Variant Classification Scheme 2023. Collection method: clinical testing. Allele origin: germline.
Comment: The p.G1191C variant (also known as c.3571G>T), located in coding exon 29 of the POLE gene, results from a G to T substitution at nucleotide position 3571. The glycine at codon 1191 is replaced by cysteine, an amino acid with highly dissimilar properties. This amino acid position is conserved. In addition, the in silico prediction for this alteration is inconclusive. Based on the available evidence, the clinical significance of this variant remains unclear.

Labcorp Genetics (formerly Invitae), Labcorp
Classification: Uncertain significance. Last evaluated: 2024-04-30. Review status: criteria provided, single submitter. Criteria: Invitae Variant Classification Sherloc (09022015). Collection method: clinical testing. Allele origin: germline.
Comment: This sequence change replaces glycine, which is neutral and non-polar, with cysteine, which is neutral and slightly polar, at codon 1191 of the POLE protein (p.Gly1191Cys). This variant is not present in population databases (gnomAD no frequency). This variant has not been reported in the literature in individuals affected with POLE-related conditions. ClinVar contains an entry for this variant (Variation ID: 1474864). Advanced modeling of protein sequence and biophysical properties (such as structural, functional, and spatial information, amino acid conservation, physicochemical variation, residue mobility, and thermodynamic stability) performed at Invitae indicates that this missense variant is not expected to disrupt POLE protein function with a negative predictive value of 80%. In summary, the available evidence is currently insufficient to determine the role of this variant in disease. Therefore, it has been classified as a Variant of Uncertain Significance.

NM_006231.4(POLE):c.3571G>T (p.Gly1191Cys)

Gene: POLE (DNA polymerase epsilon, catalytic subunit; minus strand). Cytogenetic location: 12q24.33.
Variant type: single nucleotide variant.
Coding change: c.3571G>T on transcript NM_006231.4 (MANE Select); coding-DNA position 3571, G replaced by T.
Protein change: p.Gly1191Cys; replaces glycine 1191 with cysteine.
Molecular consequence: missense variant.
Genome position (GRCh38, 1-based): chr12:132,657,147, C>A on the plus strand (G>T on the coding strand, the complement: POLE is on the minus strand). VCF-style: chr12-132657147-C-A. GRCh37 (hg19) VCF-style: chr12-133233733-C-A.
Other names: c.3571G>T (NM_006231.2); short protein forms G1191C.
Identifiers: ClinVar variation 1474864 (VCV001474864.7), dbSNP rs2042561389, ClinGen allele CA387388317.